The following is an entry in ClinVar:

NM_001114753.3(ENG):c.1626dup (p.Lys543fs)

Genes: ENG (endoglin; minus strand), LOC102723566 (uncharacterized LOC102723566; plus strand). Cytogenetic location: 9q34.11.
Variant type: Duplication.
Coding change: c.1626dup on transcript NM_001114753.3 (MANE Select); coding-DNA position 1626, one base duplicated (C; older notation c.1626dupC).
Protein change: p.Lys543fs; shifts the reading frame from lysine 543.
Molecular consequence: frameshift variant.
Genome position (GRCh38, 1-based): chr9:127,818,180, G duplicated on the plus strand (C on the coding strand, the reverse complement: ENG is on the minus strand); the first of 3 consecutive G bases (chr9:127,818,180-127,818,182); duplicating any one gives the same sequence. VCF-style (leftmost placement, unchanged base first): chr9-127818179-T-TG. GRCh37 (hg19) VCF-style: chr9-130580458-T-TG.
Other names: c.1624dup, p.Lys543Glnfs (NM_000118.4); c.1080dup, p.Lys361fs (NM_001278138.2); short protein forms K543fs, K361fs.
Identifiers: ClinVar variation 960260 (VCV000960260.14), dbSNP rs1830377451, ClinGen allele CA1139659930.

ClinVar aggregate classification (germline): Pathogenic. Review status: criteria provided, multiple submitters, no conflicts (2 of 4 stars). 2 submissions from 2 submitters: Pathogenic (2). Last evaluated 2019-10-19.

Conditions:
Hereditary hemorrhagic telangiectasia (HHT). Also called: Osler hemorrhagic telangiectasia syndrome; ORW DISEASE; Osler Weber Rendu syndrome; OSLER-RENDU-WEBER DISEASE. Identifiers: Orphanet 774, MedGen C0039445, MONDO:0019180. Disease mechanism: loss of function.
Cardiovascular phenotype. Identifiers: MedGen CN230736.

Submissions (2):

Labcorp Genetics (formerly Invitae), Labcorp
Classification: Pathogenic for Hereditary hemorrhagic telangiectasia. Last evaluated: 2019-10-19. Review status: criteria provided, single submitter. Criteria: Invitae Variant Classification Sherloc (09022015). Collection method: clinical testing. Allele origin: germline.
Comment: For these reasons, this variant has been classified as Pathogenic. This variant disrupts the C-terminus of the ENG protein. Other variant(s) that disrupt this region (p.Gln562*) have been determined to be pathogenic (PMID: 15517393, Invitae). This suggests that variants that disrupt this region of the protein are likely to be causative of disease. This variant has been observed in an individual affected with hereditary hemorrhagic telangiectasia (PMID: 16752392). This variant is not present in population databases (ExAC no frequency). This sequence change results in a premature translational stop signal in the ENG gene (p.Lys543Glnfs*24). While this is not anticipated to result in nonsense mediated decay, it is expected to disrupt the last 83 amino acids of the ENG protein.

Ambry Genetics
Classification: Pathogenic for Cardiovascular phenotype. Last evaluated: 2018-04-02. Review status: criteria provided, single submitter. Criteria: Ambry Variant Classification Scheme 2023. Collection method: clinical testing. Allele origin: germline.
Comment: The c.1626dupC pathogenic mutation, located in coding exon 12 of the ENG gene, results from a duplication of C at nucleotide position 1626, causing a translational frameshift with a predicted alternate stop codon (p.K543Qfs*24). This mutation, designated as 1627_1628dupC, was identified in an individual with epistaxis and telangiectasias (Bossler AD et al. Hum. Mutat., 2006 Jul;27:667-75). In addition to the clinical data presented in the literature, this alteration is expected to result in loss of function by premature protein truncation or nonsense-mediated mRNA decay. As such, this alteration is interpreted as a disease-causing mutation.

Literature cited by the submitters: PubMed 15517393 (cited by Labcorp Genetics (formerly Invitae), Labcorp); PubMed 16752392 (cited by Labcorp Genetics (formerly Invitae), Labcorp and Ambry Genetics).